The following is an entry in ClinVar:

ClinVar aggregate classification (germline): Conflicting classifications of pathogenicity. Review status: criteria provided, conflicting classifications (1 of 4 stars). 5 submissions from 5 submitters: Uncertain significance (1); Likely benign (3). 1 of the submissions does not count toward it. Last evaluated 2025-09-16.

Conditions:
IFT140-related disorder. Also called: IFT140-related condition.
Saldino-Mainzer syndrome (SRTD9). Also called: CONORENAL SYNDROME; short-rib thoracic dysplasia 9 with or without polydactyly; Renal dysplasia, retinal pigmentary dystrophy, cerebellar ataxia and skeletal dysplasia; SHORT-RIB THORACIC DYSPLASIA 9 WITHOUT POLYDACTYLY. Identifiers: Orphanet 140969, MedGen C1849437, MONDO:0009964, OMIM 266920.
Retinitis pigmentosa 80 (RP80). Identifiers: MedGen C4540439, MONDO:0054708, OMIM 617781.

Allele frequency attached by ClinVar (database versions not stated): ExAC 0.00003; gnomAD 0.00004; gnomAD exomes 0.00006; TOPMed 0.00009.
gnomAD v4.1: 66 of 1,612,084 alleles (0.0041%); highest among the groups gnomAD compares: Middle Eastern, 0.033%; no homozygotes.

Submissions (5):

Labcorp Genetics (formerly Invitae), Labcorp
Classification: Likely benign for Saldino-Mainzer syndrome. Last evaluated: 2025-09-16. Review status: criteria provided, single submitter. Criteria: Invitae Variant Classification Sherloc (09022015). Collection method: clinical testing. Allele origin: germline.

Blueprint Genetics
Classification: Uncertain significance. Last evaluated: 2024-10-15. Review status: criteria provided, single submitter. Criteria: ACMG Guidelines, 2015. Collection method: clinical testing. Allele origin: germline.

Fulgent Genetics
Classification: Likely benign for Saldino-Mainzer syndrome; Retinitis pigmentosa 80. Last evaluated: 2021-10-31. Review status: criteria provided, single submitter. Criteria: ACMG Guidelines, 2015. Collection method: clinical testing. Allele origin: unknown.

Breakthrough Genomics
Classification: Likely benign. Review status: criteria provided, single submitter. Criteria: ACMG Guidelines, 2015. Collection method: not provided. Allele origin: germline. Inheritance: Autosomal recessive inheritance. Affected: yes.

PreventionGenetics, part of Exact Sciences
Classification: Likely benign for IFT140-related condition. Last evaluated: 2022-09-04. Review status: no assertion criteria provided. Collection method: clinical testing. Allele origin: germline. Not counted in ClinVar's aggregate classification.
Comment: This variant is classified as likely benign based on ACMG/AMP sequence variant interpretation guidelines (Richards et al. 2015 PMID: 25741868, with internal and published modifications).

NM_014714.4(IFT140):c.1653-4G>A

Gene: IFT140 (intraflagellar transport 140; minus strand). Cytogenetic location: 16p13.3.
Variant type: single nucleotide variant.
Coding change: c.1653-4G>A on transcript NM_014714.4 (MANE Select); 4 bases into the intron before coding-DNA position 1653, G replaced by A.
Molecular consequence: intron variant.
Genome position (GRCh38, 1-based): chr16:1,568,338, C>T on the plus strand (G>A on the coding strand, the complement: IFT140 is on the minus strand). VCF-style: chr16-1568338-C-T. GRCh37 (hg19) VCF-style: chr16-1618339-C-T.
Other names: c.1653-4G>A (NM_014714.3).
Identifiers: ClinVar variation 1125545 (VCV001125545.14), dbSNP rs750603473, ClinGen allele CA7814182.
Genomic context (GRCh38, chr16:1,568,338, plus strand): 5'-CCCACCCCAGGGACCAGCTCCGCCAGGCTCCTGCAGCTACAGTGTGCTTTGGCCTCTCTG[C>T]AGGGAGGAAGAGGGACCTCAGTGCCCGCCAGAGGCCCAGTTCCCAATTCTCCGCCCACCC-3'